The following is an entry in ClinVar:

ClinVar aggregate classification (germline): Uncertain significance. Review status: criteria provided, multiple submitters, no conflicts (2 of 4 stars). 2 submissions from 2 submitters: Uncertain significance (2). Last evaluated 2025-09-03.

Allele frequency attached by ClinVar (database versions not stated): gnomAD exomes below 0.00001; TOPMed below 0.00001; ExAC 0.00001; gnomAD 0.00001.
gnomAD v4.1: 3 of 1,613,904 alleles (0.00019%); highest among the groups gnomAD compares: Admixed American, 0.0017%; no homozygotes.

Submissions (2):

Women's Health and Genetics/Laboratory Corporation of America, LabCorp
Classification: Uncertain significance. Last evaluated: 2025-09-03. Review status: criteria provided, single submitter. Criteria: LabCorp Variant Classification Summary - May 2015. Collection method: clinical testing. Allele origin: germline.
Comment: Variant summary: AEBP1 c.2926A>G (p.Thr976Ala) results in a non-conservative amino acid change in the encoded protein sequence. Algorithms developed to predict the effect of missense changes on protein structure and function are either unavailable or do not agree on the potential impact of this missense change. The variant allele was found at a frequency of 4e-06 in 251386 control chromosomes. The available data on variant occurrences in the general population are insufficient to allow any conclusion about variant significance. To our knowledge, no occurrence of c.2926A>G in individuals affected with AEBP1-related conditions and no experimental evidence demonstrating its impact on protein function have been reported. ClinVar contains an entry for this variant (Variation ID: 2807170). Based on the evidence outlined above, the variant was classified as uncertain significance.

Labcorp Genetics (formerly Invitae), Labcorp
Classification: Uncertain significance. Last evaluated: 2022-12-30. Review status: criteria provided, single submitter. Criteria: Invitae Variant Classification Sherloc (09022015). Collection method: clinical testing. Allele origin: germline.
Comment: This sequence change replaces threonine, which is neutral and polar, with alanine, which is neutral and non-polar, at codon 976 of the AEBP1 protein (p.Thr976Ala). This variant is present in population databases (rs779809409, gnomAD 0.0009%). This variant has not been reported in the literature in individuals affected with AEBP1-related conditions. Algorithms developed to predict the effect of missense changes on protein structure and function are either unavailable or do not agree on the potential impact of this missense change (SIFT: "Deleterious"; PolyPhen-2: "Probably Damaging"; Align-GVGD: "Class C0"). In summary, the available evidence is currently insufficient to determine the role of this variant in disease. Therefore, it has been classified as a Variant of Uncertain Significance.

NM_001129.5(AEBP1):c.2926A>G (p.Thr976Ala)

Gene: AEBP1 (AE binding protein 1; plus strand). Cytogenetic location: 7p13.
Variant type: single nucleotide variant.
Coding change: c.2926A>G on transcript NM_001129.5 (MANE Select); coding-DNA position 2926, A replaced by G.
Protein change: p.Thr976Ala; replaces threonine 976 with alanine.
Molecular consequence: missense variant.
Genome position (GRCh38, 1-based): chr7:44,113,710, A>G. VCF-style: chr7-44113710-A-G. GRCh37 (hg19) VCF-style: chr7-44153309-A-G.
Other names: short protein forms T976A.
Identifiers: ClinVar variation 2807170 (VCV002807170.4), dbSNP rs779809409, ClinGen allele CA4238363.
Genomic context (GRCh38, chr7:44,113,710, plus strand): 5'-CACGCGGAGGGCTACACCCCGAGCGCCAAGACCTGCAATGTTGACTATGACATCGGGGCC[A>G]CTCAGTGCAACTTCATCCTGGCTCGCTCCAACTGGAAGCGCATCCGGGAGATCATGGCCA-3'
Protein context (NP_001120.3, residues 966-986): TCNVDYDIGA[Thr976Ala]QCNFILARSN